The following is an entry in ClinVar:

NM_032444.4(SLX4):c.4545_4546insA (p.Gly1516fs)

Gene: SLX4 (SLX4 structure-specific endonuclease subunit; minus strand). Cytogenetic location: 16p13.3.
Variant type: Insertion.
Coding change: c.4545_4546insA on transcript NM_032444.4 (MANE Select); coding-DNA positions 4545 to 4546, A inserted.
Protein change: p.Gly1516fs; shifts the reading frame from glycine 1516.
Molecular consequence: frameshift variant.
Genome position: GRCh38 VCF-style: chr16-3589092-C-CT. GRCh37 (hg19) VCF-style: chr16-3639093-C-CT.
Other names: short protein forms G1516fs.
Identifiers: ClinVar variation 4850866 (VCV004850866.1).
Genomic context (GRCh38, chr16:3,589,092, plus strand): 5'-CTCCACCAGCGCTTGGCATCTGGGCCGGAGGAGGGGTCTCTGGAGGCCTCTGCTCTTCCC[C>CT]GTCCCAAACGTCCCACAGAGCCGAATTCAGAAAGCTCGGCCTGCTATTCCCCAGGGAGCC-3'

ClinVar aggregate classification (germline): Pathogenic (1 of 4 stars; one submission).

Conditions:
Fetal anomalies with a likely genetic cause.

Submission:

Genetics Laboratory, Great Ormond Street Hospital NHS Foundation Trust, North Thames Genomic Laboratory Hub
Classification: Pathogenic for Fetal anomalies with a likely genetic cause. Last evaluated: 2026-03-16. Review status: criteria provided, single submitter. Criteria: ACGS Best Practice Guidelines for Variant Classification in Rare Disease 2024 v1.2. Collection method: clinical testing. Allele origin: germline. Affected: yes.
Comment: PM2_moderate, PVS1_very-strong